The following is an entry in ClinVar:

NM_001376013.1(EPB41):c.288G>A (p.Glu96=)

Gene: EPB41 (erythrocyte membrane protein band 4.1; plus strand). Cytogenetic location: 1p35.3.
Variant type: single nucleotide variant.
Coding change: c.288G>A on transcript NM_001376013.1 (MANE Select); coding-DNA position 288, G replaced by A.
Protein change: p.Glu96=; no amino-acid change (glutamic acid 96 retained).
Molecular consequence: synonymous variant. On other transcripts: 5 prime UTR variant (10).
Genome position (GRCh38, 1-based): chr1:28,987,725, G>A. VCF-style: chr1-28987725-G-A. GRCh37 (hg19) VCF-style: chr1-29314237-G-A.
Other names: c.288G>A, p.Glu96= (NM_001166005.2, NM_001166006.2, NM_001376014.1 and 8 more transcripts); c.-340G>A (NM_001166007.2, NM_001376022.1, NM_001376023.1 and 5 more transcripts); c.-420G>A (NM_004437.4, NM_203342.3).
Identifiers: ClinVar variation 3673961 (VCV003673961.2).
Genomic context (GRCh38, chr1:28,987,725, plus strand): 5'-CAGAGGACTTTCACGACTATTCTCCTCGTTTCTCAAAAGGCCCAAATCTCAGGTGTCCGA[G>A]GAAGAAGGCAAAGAAGTAGAGTCAGATAAAGAAAAAGGTGAAGGAGGTCAGAAAGAGATA-3'
Protein context (NP_001362942.1, residues 86-106): FLKRPKSQVS[Glu96=]EEGKEVESDK

ClinVar aggregate classification (germline): Uncertain significance (1 of 4 stars; one submission).

gnomAD v4.1: 5 of 1,614,050 alleles (0.00031%); highest among the groups gnomAD compares: African/African-American, 0.0027%; no homozygotes.

Submission:

Labcorp Genetics (formerly Invitae), Labcorp
Classification: Uncertain significance. Last evaluated: 2024-02-03. Review status: criteria provided, single submitter. Criteria: Invitae Variant Classification Sherloc (09022015). Collection method: clinical testing. Allele origin: germline.
Comment: This variant occurs in a non-coding region of the EPB41 gene. It does not change the encoded amino acid sequence of the EPB41 protein. The frequency data for this variant in the population databases is considered unreliable, as metrics indicate poor data quality at this position in the gnomAD database. This variant has not been reported in the literature in individuals affected with EPB41-related conditions. In summary, the available evidence is currently insufficient to determine the role of this variant in disease. Therefore, it has been classified as a Variant of Uncertain Significance.